The following is an entry in ClinVar:

ClinVar aggregate classification (germline): Uncertain significance (1 of 4 stars; one submission).

Submission:

CeGaT Center for Human Genetics Tuebingen
Classification: Uncertain significance. Last evaluated: 2025-09-01. Review status: criteria provided, single submitter. Criteria: CeGaT Center For Human Genetics Tuebingen Variant Classification Criteria Version 2. Collection method: clinical testing. Allele origin: germline. Affected: yes. Observed: 1 variant allele.
Comment: ATP6AP2: PM2

NM_005765.3(ATP6AP2):c.383C>T (p.Ala128Val)

Gene: ATP6AP2 (ATPase H+ transporting accessory protein 2; plus strand). Cytogenetic location: Xp11.4.
Variant type: single nucleotide variant.
Coding change: c.383C>T on transcript NM_005765.3 (MANE Select); coding-DNA position 383, C replaced by T.
Protein change: p.Ala128Val; replaces alanine 128 with valine.
Molecular consequence: missense variant.
Genome position (GRCh38, 1-based): chrX:40,597,331, C>T. VCF-style: chrX-40597331-C-T. GRCh37 (hg19) VCF-style: chrX-40456583-C-T.
Other names: short protein forms A128V.
Identifiers: ClinVar variation 4281316 (VCV004281316.7).